The following is an entry in ClinVar:

ClinVar aggregate classification (germline): Pathogenic (1 of 4 stars; one submission).

Conditions:
Duchenne muscular dystrophy (DMD). Also called: MUSCULAR DYSTROPHY, PSEUDOHYPERTROPHIC PROGRESSIVE, DUCHENNE TYPE; Duchenne Muscular Dystrophy (DMD). Identifiers: Orphanet 98896, MedGen C0013264, MONDO:0010679, OMIM 310200.

Submission:

Labcorp Genetics (formerly Invitae), Labcorp
Classification: Pathogenic for Duchenne muscular dystrophy. Last evaluated: 2019-11-25. Review status: criteria provided, single submitter. Criteria: Invitae Variant Classification Sherloc (09022015). Collection method: clinical testing. Allele origin: germline.
Comment: This variant is an out-of-frame deletion of the genomic region encompassing exons 45-52 of the DMD gene. This is expected to create a premature translational stop signal and result in an absent or disrupted protein product. A similar deletion of exons 45-52 has been reported in several individuals affected with Duchenne muscular dystrophy (PMID: 23299919, 25244321, 26911353). Loss-of-function variants in DMD are known to be pathogenic (PMID: 16770791, 25007885). For these reasons, this variant has been classified as Pathogenic.

Literature cited by the submitters: PubMed 26911353; PubMed 23299919; PubMed 25244321.

NC_000023.11:g.(?_31729621)_(31968524_?)del

Genes: DMD (dystrophin; minus strand), LOC129391296 (MPRA-validated peak7373 silencer; plus strand). Cytogenetic location: Xp21.1.
Variant type: Deletion.
Identifiers: ClinVar variation 665637 (VCV000665637.2).